The following is an entry in ClinVar:

NM_014319.5(LEMD3):c.616G>C (p.Glu206Gln)

Gene: LEMD3 (LEM domain containing 3; plus strand). Cytogenetic location: 12q14.3.
Variant type: single nucleotide variant.
Coding change: c.616G>C on transcript NM_014319.5 (MANE Select); coding-DNA position 616, G replaced by C.
Protein change: p.Glu206Gln; replaces glutamic acid 206 with glutamine.
Molecular consequence: missense variant.
Genome position (GRCh38, 1-based): chr12:65,170,212, G>C. VCF-style: chr12-65170212-G-C. GRCh37 (hg19) VCF-style: chr12-65563992-G-C.
Other names: c.616G>C, p.Glu206Gln (NM_001167614.2); short protein forms E206Q.
Identifiers: ClinVar variation 2421981 (VCV002421981.6), dbSNP rs1356579631, ClinGen allele CA385673592.
Genomic context (GRCh38, chr12:65,170,212, plus strand): 5'-AACTCTGCAGAGCGAAGGAAGCCCCACTCGTGGTGGGGGGCCAGGAGGCCGGCGGGCCCC[G>C]AGCTGCAGACCCCGCCGGGGAAAGATGGAGCAGTGGAGGACGAGGAAGGGGAGGGAGAGG-3'
Protein context (NP_055134.2, residues 196-216): WWGARRPAGP[Glu206Gln]LQTPPGKDGA

ClinVar aggregate classification (germline): Uncertain significance (1 of 4 stars; one submission).

gnomAD v4.1: 8 of 1,500,800 alleles (0.00053%); highest among the groups gnomAD compares: Non-Finnish European, 0.00071%; no homozygotes.

Submission:

Labcorp Genetics (formerly Invitae), Labcorp
Classification: Uncertain significance. Last evaluated: 2022-03-13. Review status: criteria provided, single submitter. Criteria: Invitae Variant Classification Sherloc (09022015). Collection method: clinical testing. Allele origin: germline.
Comment: In summary, the available evidence is currently insufficient to determine the role of this variant in disease. Therefore, it has been classified as a Variant of Uncertain Significance. Algorithms developed to predict the effect of missense changes on protein structure and function (SIFT, PolyPhen-2, Align-GVGD) all suggest that this variant is likely to be tolerated. This variant has not been reported in the literature in individuals affected with LEMD3-related conditions. This variant is not present in population databases (gnomAD no frequency). This sequence change replaces glutamic acid, which is acidic and polar, with glutamine, which is neutral and polar, at codon 206 of the LEMD3 protein (p.Glu206Gln).